The following is an entry in ClinVar:

NM_004415.4(DSP):c.1673AGA[1] (p.Lys559del)

Gene: DSP (desmoplakin; plus strand). Cytogenetic location: 6p24.3.
Variant type: Microsatellite.
Coding change: c.1673AGA[1] on transcript NM_004415.4 (MANE Select); one copy of the 3-base unit AGA starting at c.1673; the reference has two copies in a row; one copy, 3 bases deleted.
Protein change: p.Lys559del; deletes lysine 559.
Molecular consequence: inframe deletion.
Genome position (GRCh38, 1-based): chr6:7,570,538-7,570,540, AGA deleted; deleting any 3 consecutive bases within chr6:7,570,535-7,570,540 gives the same sequence; the position shown is the placement nearest the transcript's 3' end. VCF-style (leftmost placement, unchanged base first): chr6-7570534-GAGA-G. GRCh37 (hg19) VCF-style: chr6-7570767-GAGA-G.
Other names: c.1673AGA[1], p.Lys559del (NM_001008844.3, NM_001319034.2); short protein forms K559del.
Identifiers: ClinVar variation 422187 (VCV000422187.2), dbSNP rs1064795615, ClinGen allele CA16618319.

ClinVar aggregate classification (germline): Uncertain significance (1 of 4 stars; one submission).

Submission:

GeneDx
Classification: Uncertain significance. Last evaluated: 2017-04-20. Review status: criteria provided, single submitter. Criteria: GeneDx Variant Classification (06012015). Collection method: clinical testing. Allele origin: germline. Affected: yes.
Comment: The c.1676_1678delAGA variant of uncertain significance has not been published as pathogenic or been reported as benign to our knowledge. This variant is not observed in large population cohorts (Lek et al., 2016; 1000 Genomes Consortium et al., 2015; Exome Variant Server). The c.1676_1678delAGA variant results in an in-frame deletion of a Lysine residue at codon 559, denoted p.K559del, and does not result in a shift in reading frame or a premature stop codon. Three other in-frame deletions in the DSP gene have been reported in the Human Gene Mutation Database in association with ARVC (Stenson et al., 2014). In the absence of functional mRNA studies, however, the physiological consequence of this variant cannot be precisely determined. Therefore, based on the currently available information, it is unclear whether this variant is pathogenic or rare benign.